The following is an entry in ClinVar:

ClinVar aggregate classification (germline): Benign/Likely benign. Review status: criteria provided, multiple submitters, no conflicts (2 of 4 stars). 15 submissions from 15 submitters: Benign (11); Likely benign (3). 1 of the submissions does not count toward it. Last evaluated 2026-09-01.

Conditions:
Autosomal recessive nonsyndromic hearing loss 9. Also called: Deafness, autosomal recessive 9; AUDITORY NEUROPATHY, AUTOSOMAL RECESSIVE, 1, TEMPERATURE-SENSITIVE; NEUROSENSORY NONSYNDROMIC RECESSIVE DEAFNESS 9; OTOF-Related Hearing Loss. Identifiers: Orphanet 90636, MedGen C1832828, MONDO:0010986, OMIM 601071.

Allele frequency attached by ClinVar (database versions not stated): TOPMed 0.01426; gnomAD 0.01518; ExAC 0.01597; ESP Exome Variant Server 0.01863; 1000 Genomes Project 30x 0.00593; gnomAD exomes 0.01440; 1000 Genomes Project 0.00619.
gnomAD v4.1: 30,637 of 1,609,140 alleles (1.9%); highest among the groups gnomAD compares: Non-Finnish European, 2.2%; 374 homozygotes.

Submissions (15):

CeGaT Center for Human Genetics Tuebingen
Classification: Benign. Last evaluated: 2026-09-01. Review status: criteria provided, single submitter. Criteria: CeGaT Center For Human Genetics Tuebingen Variant Classification Criteria Version 2. Collection method: clinical testing. Allele origin: germline. Affected: yes. Observed: 17 variant alleles.
Comment: OTOF: BS1, BS2

Labcorp Genetics (formerly Invitae), Labcorp
Classification: Benign. Last evaluated: 2026-02-04. Review status: criteria provided, single submitter. Criteria: Invitae Variant Classification Sherloc (09022015). Collection method: clinical testing. Allele origin: germline.

ARUP Laboratories, Molecular Genetics and Genomics, ARUP Laboratories
Classification: Benign. Last evaluated: 2023-10-06. Review status: criteria provided, single submitter. Criteria: ARUP Molecular Germline Variant Investigation Process 2024. Collection method: clinical testing. Allele origin: germline.

Fulgent Genetics
Classification: Benign for Autosomal recessive nonsyndromic hearing loss 9. Last evaluated: 2022-04-18. Review status: criteria provided, single submitter. Criteria: ACMG Guidelines, 2015. Collection method: clinical testing. Allele origin: unknown.

Women's Health and Genetics/Laboratory Corporation of America, LabCorp
Classification: Likely benign. Last evaluated: 2021-12-10. Review status: criteria provided, single submitter. Criteria: LabCorp Variant Classification Summary - May 2015. Collection method: clinical testing. Allele origin: germline.

Mayo Clinic Laboratories, Mayo Clinic
Classification: Benign. Last evaluated: 2021-02-19. Review status: criteria provided, single submitter. Criteria: ACMG Guidelines, 2015. Collection method: clinical testing. Allele origin: germline. Observed: 11 variant alleles.

Athena Diagnostics
Classification: Benign. Last evaluated: 2018-08-31. Review status: criteria provided, single submitter. Criteria: Athena Diagnostics Criteria. Collection method: clinical testing. Allele origin: germline.

GeneDx
Classification: Benign. Last evaluated: 2018-07-02. Review status: criteria provided, single submitter. Criteria: GeneDx Variant Classification Process June 2021. Collection method: clinical testing. Allele origin: germline. Affected: yes.
Comment: This variant is associated with the following publications: (PMID: 16371502, 18381613, 16283880, 27884173, 27535533, 19461658, 30245029)

Illumina Laboratory Services, Illumina
Classification: Likely benign for Autosomal recessive nonsyndromic hearing loss 9. Last evaluated: 2017-04-27. Review status: criteria provided, single submitter. Criteria: ICSL Variant Classification Criteria 13 December 2019. Collection method: clinical testing. Allele origin: germline.
Comment: This variant was observed as part of a predisposition screen in an ostensibly healthy population. A literature search was performed for the gene, cDNA change, and amino acid change (where applicable). Publications were found based on this search. The evidence from the literature, in combination with allele frequency data from public databases where available, was sufficient to determine this variant is unlikely to cause disease. Therefore, this variant is classified as likely benign.

Genomic Diagnostic Laboratory, Division of Genomic Diagnostics, Children's Hospital of Philadelphia
Classification: Benign. Last evaluated: 2015-11-16. Review status: criteria provided, single submitter. Criteria: DGD Variant Analysis Guidelines. Collection method: clinical testing. Allele origin: unknown.

Eurofins Ntd Llc (ga)
Classification: Benign. Last evaluated: 2015-06-15. Review status: criteria provided, single submitter. Criteria: EGL Classification Definitions 2015. Collection method: clinical testing. Allele origin: germline. Observed: 1 variant allele, 1 heterozygote.

Laboratory for Molecular Medicine, Mass General Brigham Personalized Medicine
Classification: Benign. Last evaluated: 2008-02-19. Review status: criteria provided, single submitter. Criteria: LMM Criteria. Collection method: clinical testing. Allele origin: germline. Observed: 64 variant alleles.

Breakthrough Genomics
Classification: Likely benign. Review status: criteria provided, single submitter. Criteria: ACMG Guidelines, 2015. Collection method: not provided. Allele origin: germline. Inheritance: Autosomal recessive inheritance. Affected: yes.

Broad Center for Mendelian Genomics, Broad Institute of MIT and Harvard
Classification: Benign for Autosomal recessive nonsyndromic hearing loss 9. Review status: criteria provided, single submitter. Criteria: ACMG Guidelines, 2015. Collection method: research. Allele origin: germline. Inheritance: Autosomal recessive inheritance. Affected: yes.
Comment: The heterozygous p.Arg822Trp variant in OTOF has been identified in 2 siblings from 1 family with non-syndromic deafness (PMID: 16283880). However, these affected individuals were also homozygous for a nonsense variant in OTOF and this variant was also present in unaffected individuals (PMID: 16283880). This variant has also been identified in >2% of European (Finnish) chromosomes and 18 homozygotes by ExAC. In summary, this variant meets criteria to be classified as benign for autosomal recessive non-syndromic deafness.

GeneReviews
No classification provided. Condition: Autosomal recessive nonsyndromic hearing loss 9. Review status: no classification provided. Collection method: literature only. Allele origin: unknown. Not counted in ClinVar's aggregate classification.

Literature cited by the submitters: PubMed 16371502 (cited by 3 submitters); PubMed 19461658 (cited by Athena Diagnostics and Illumina Laboratory Services, Illumina); PubMed 16283880 (cited by 3 submitters); PubMed 22906306 (cited by Athena Diagnostics); PubMed 18381613 (cited by Laboratory for Molecular Medicine, Mass General Brigham Personalized Medicine); PubMed 20301429 (cited by GeneReviews); NCBI Bookshelf NBK1251 (cited by GeneReviews).

NM_194248.3(OTOF):c.2464C>T (p.Arg822Trp)

Gene: OTOF (otoferlin; minus strand). Cytogenetic location: 2p23.3.
Variant type: single nucleotide variant.
Coding change: c.2464C>T on transcript NM_194248.3 (MANE Select); coding-DNA position 2464, C replaced by T.
Protein change: p.Arg822Trp; replaces arginine 822 with tryptophan.
Molecular consequence: missense variant.
Genome position (GRCh38, 1-based): chr2:26,477,231, G>A on the plus strand (C>T on the coding strand, the complement: OTOF is on the minus strand). VCF-style: chr2-26477231-G-A. GRCh37 (hg19) VCF-style: chr2-26700099-G-A.
Other names: c.2464C>T, p.Arg822Trp (NM_001287489.2); c.223C>T, p.Arg75Trp (NM_004802.4, NM_194323.3); c.394C>T, p.Arg132Trp (NM_194322.3); short protein forms R822W, R75W, R132W.
Identifiers: ClinVar variation 21837 (VCV000021837.62), dbSNP rs80356570, ClinGen allele CA142809.